The following is an entry in ClinVar:

ClinVar aggregate classification (germline): Uncertain significance. Review status: criteria provided, multiple submitters, no conflicts (2 of 4 stars). 2 submissions from 2 submitters: Uncertain significance (2). Last evaluated 2023-03-31.

Conditions:
Inborn genetic diseases. Identifiers: MedGen C0950123, MeSH D030342.

Allele frequency attached by ClinVar (database versions not stated): gnomAD 0.00007; ESP Exome Variant Server 0.00008; TOPMed 0.00003; gnomAD exomes below 0.00001; ExAC 0.00001.
gnomAD v4.1: 18 of 1,614,016 alleles (0.0011%); highest among the groups gnomAD compares: African/African-American, 0.021%; no homozygotes.

Submissions (2):

Genetic Services Laboratory, University of Chicago
Classification: Uncertain significance. Last evaluated: 2023-03-31. Review status: criteria provided, single submitter. Criteria: ACMG Guidelines, 2015. Collection method: clinical testing. Allele origin: germline. Affected: no.
Comment: DNA sequence analysis of the KIF14 gene demonstrated a sequence change, c.901C>T, in exon 2 that results in an amino acid change, p.Pro301Ser. This sequence change has been described in the gnomAD database with a frequency of 0.016% in the African/African American subpopulation (dbSNP rs374253448). The p.Pro301Ser change affects a poorly conserved amino acid residue located in a domain of the KIF14 protein that is not known to be functional. The p.Pro301Ser substitution appears to be benign using several in-silico pathogenicity prediction tools (SIFT, PolyPhen2, Align GVGD, REVEL). This sequence change does not appear to have been previously described in individuals with KIF14-related disorders. Due to insufficient evidence and the lack of functional studies, the clinical significance of the p.Pro301Ser change remains unknown at this time

Ambry Genetics
Classification: Uncertain significance for Inborn genetic diseases. Last evaluated: 2022-09-06. Review status: criteria provided, single submitter. Criteria: Ambry Variant Classification Scheme 2023. Collection method: clinical testing. Allele origin: germline.

NM_014875.3(KIF14):c.901C>T (p.Pro301Ser)

Gene: KIF14 (kinesin family member 14; minus strand). Cytogenetic location: 1q32.1.
Variant type: single nucleotide variant.
Coding change: c.901C>T on transcript NM_014875.3 (MANE Select); coding-DNA position 901, C replaced by T.
Protein change: p.Pro301Ser; replaces proline 301 with serine.
Molecular consequence: missense variant. On other transcripts: 5 prime UTR variant (1).
Genome position (GRCh38, 1-based): chr1:200,617,823, G>A on the plus strand (C>T on the coding strand, the complement: KIF14 is on the minus strand). VCF-style: chr1-200617823-G-A. GRCh37 (hg19) VCF-style: chr1-200586951-G-A.
Other names: c.-485C>T (NM_001305792.1); short protein forms P301S.
Identifiers: ClinVar variation 2411136 (VCV002411136.4), dbSNP rs374253448, ClinGen allele CA1317945.